The following is an entry in ClinVar:

NM_000466.3(PEX1):c.61T>C (p.Phe21Leu)

Genes: PEX1 (peroxisomal biogenesis factor 1; minus strand), LOC129998796 (ATAC-STARR-seq lymphoblastoid silent region 18372; plus strand). Cytogenetic location: 7q21.2.
Variant type: single nucleotide variant.
Coding change: c.61T>C on transcript NM_000466.3 (MANE Select); coding-DNA position 61, T replaced by C.
Protein change: p.Phe21Leu; replaces phenylalanine 21 with leucine.
Molecular consequence: missense variant. On other transcripts: 5 prime UTR variant (1).
Genome position (GRCh38, 1-based): chr7:92,528,375, A>G on the plus strand (T>C on the coding strand, the complement: PEX1 is on the minus strand). VCF-style: chr7-92528375-A-G. GRCh37 (hg19) VCF-style: chr7-92157689-A-G.
Other names: c.61T>C, p.Phe21Leu (NM_001282677.2); c.-599T>C (NM_001282678.2); short protein forms F21L.
Identifiers: ClinVar variation 2067456 (VCV002067456.4), dbSNP rs2484725700, ClinGen allele CA368207439.

ClinVar aggregate classification (germline): Uncertain significance (1 of 4 stars; one submission).

Conditions:
Zellweger spectrum disorders (ZS). Also called: Zellweger Spectrum Disorder (ZSD); Zellweger syndrome; Zellweger Spectrum Disorder; Zellweger Spectrum. Identifiers: Orphanet 912, MedGen C0043459, MONDO:0019609.

Submission:

Labcorp Genetics (formerly Invitae), Labcorp
Classification: Uncertain significance for Zellweger spectrum disorders. Last evaluated: 2023-07-28. Review status: criteria provided, single submitter. Criteria: Invitae Variant Classification Sherloc (09022015). Collection method: clinical testing. Allele origin: germline.
Comment: In summary, the available evidence is currently insufficient to determine the role of this variant in disease. Therefore, it has been classified as a Variant of Uncertain Significance. Advanced modeling of protein sequence and biophysical properties (such as structural, functional, and spatial information, amino acid conservation, physicochemical variation, residue mobility, and thermodynamic stability) performed at Invitae indicates that this missense variant is not expected to disrupt PEX1 protein function. ClinVar contains an entry for this variant (Variation ID: 2067456). This variant has not been reported in the literature in individuals affected with PEX1-related conditions. This variant is not present in population databases (gnomAD no frequency). This sequence change replaces phenylalanine, which is neutral and non-polar, with leucine, which is neutral and non-polar, at codon 21 of the PEX1 protein (p.Phe21Leu).